The following is an entry in ClinVar:

NM_002485.5(NBN):c.506G>A (p.Arg169His)

Gene: NBN (nibrin; minus strand). Cytogenetic location: 8q21.3.
Variant type: single nucleotide variant.
Coding change: c.506G>A on transcript NM_002485.5 (MANE Select); coding-DNA position 506, G replaced by A.
Protein change: p.Arg169His; replaces arginine 169 with histidine.
Molecular consequence: missense variant.
Genome position (GRCh38, 1-based): chr8:89,978,298, C>T on the plus strand (G>A on the coding strand, the complement: NBN is on the minus strand). VCF-style: chr8-89978298-C-T. GRCh37 (hg19) VCF-style: chr8-90990526-C-T.
Other names: c.260G>A, p.Arg87His (NM_001024688.3); short protein forms R169H, R87H.
Identifiers: ClinVar variation 186682 (VCV000186682.28), dbSNP rs776134250, ClinGen allele CA195555.
Genomic context (GRCh38, chr8:89,978,298, plus strand): 5'-TGCTTCTTGGACTCAACTGCTTTCAGGAATTCAGTAAAATATTCTGGCTTTACAATTGGA[C>T]GTCCACAAATGAGTGCACATATTGTCTACAATGAAGAAAACATGTGAATATATATATTCA-3'
Protein context (NP_002476.2, residues 159-179): IKTICALICG[Arg169His]PIVKPEYFTE

ClinVar aggregate classification (germline): Uncertain significance. Review status: criteria provided, multiple submitters, no conflicts (2 of 4 stars). 9 submissions from 9 submitters: Uncertain significance (8). 1 of the submissions does not count toward it. Last evaluated 2025-12-16.

Conditions:
Hereditary cancer-predisposing syndrome. Also called: Hereditary Cancer Syndrome; Neoplastic Syndromes, Hereditary; Tumor predisposition; Hereditary neoplastic syndrome. Identifiers: Orphanet 140162, MedGen C0027672, MeSH D009386, MONDO:0015356.
Microcephaly, normal intelligence and immunodeficiency (NBS). Also called: IMMUNODEFICIENCY, MICROCEPHALY, AND CHROMOSOMAL INSTABILITY; SEEMANOVA SYNDROME II; Immunodeficiency, microcephaly with normal intelligence; Ataxia telangiectasia variant V1; Nijmegen breakage syndrome; Microcephaly with normal intelligence immunodeficiency and lymphoreticular malignancies. Identifiers: Orphanet 647, MedGen C0398791, MONDO:0009623, OMIM 251260.
Aplastic anemia. Identifiers: Orphanet 182040, Orphanet 88, MedGen C0002874, MONDO:0015909, OMIM 609135, HP:0001915.

Allele frequency attached by ClinVar (database versions not stated): gnomAD exomes 0.00002 and 0.00004; TOPMed 0.00002; gnomAD 0.00004; ExAC 0.00005.
gnomAD v4.1: 37 of 1,590,800 alleles (0.0023%); highest among the groups gnomAD compares: South Asian, 0.0033%; no homozygotes.

Submissions (9):

Labcorp Genetics (formerly Invitae), Labcorp
Classification: Uncertain significance for Microcephaly, normal intelligence and immunodeficiency. Last evaluated: 2025-12-16. Review status: criteria provided, single submitter. Criteria: Invitae Variant Classification Sherloc (09022015). Collection method: clinical testing. Allele origin: germline.
Comment: This sequence change replaces arginine, which is basic and polar, with histidine, which is basic and polar, at codon 169 of the NBN protein (p.Arg169His). This variant is present in population databases (rs776134250, gnomAD 0.006%). This missense change has been observed in individual(s) with breast cancer and/or Nijmegen breakage syndrome. However, in at least one individual pathogenic alleles were also identified in the RAD50 gene, which suggests that this c.506G>A variant was not the primary cause of disease. (PMID: 19409520, 29522266, 30287823). ClinVar contains an entry for this variant (Variation ID: 186682). An algorithm developed to predict the effect of missense changes on protein structure and function (PolyPhen-2) suggests that this variant is likely to be tolerated. In summary, the available evidence is currently insufficient to determine the role of this variant in disease. Therefore, it has been classified as a Variant of Uncertain Significance.

GeneDx
Classification: Uncertain significance. Last evaluated: 2025-02-20. Review status: criteria provided, single submitter. Criteria: GeneDx Variant Classification Process June 2021. Collection method: clinical testing. Allele origin: germline. Affected: yes.
Comment: Observed in individuals with breast cancer and prostate cancer (PMID: 29522266, 30287823, 33471991, 32832836, 31214711); Observed in an individual with symptoms overlapping with Nijmegen Breakage syndrome, however, this individual also carried compound heterozygous truncating variants in the RAD50 gene, to which the authors attributed the patient's phenotype (PMID: 19409520); In silico analysis supports that this missense variant has a deleterious effect on protein structure/function; This variant is associated with the following publications: (PMID: 30287823, 29522266, 24894818, 32212377, 33471991, 32832836, 31214711, 32501622, 35884425, 27149842, 19409520)

Quest Diagnostics Nichols Institute San Juan Capistrano
Classification: Uncertain significance. Last evaluated: 2024-10-28. Review status: criteria provided, single submitter. Criteria: Quest Diagnostics criteria. Collection method: clinical testing. Allele origin: unknown.
Comment: The NBN c.506G>A (p.Arg169His) variant has been reported in the published literature in individuals with breast cancer (PMIDs: 30287823 (2018), 29522266 (2018)) and gastric spindle cell carcinoma (PMID: 32501622 (2020)). Additionally, this variant has been identified in a single patient with Nijmegen breakage syndrome-like disorder (PMID: 19409520 (2009)). The frequency of this variant in the general population, 0.000065 (2/30612 chromosomes (Genome Aggregation Database)), is uninformative in the assessment of its pathogenicity. Analysis of this variant using bioinformatics tools for the prediction of the effect of amino acid changes on protein structure and function yielded predictions that this variant is benign. Based on the available information, we are unable to determine the clinical significance of this variant.

Baylor Genetics
Classification: Uncertain significance for Aplastic anemia. Last evaluated: 2024-03-01. Review status: criteria provided, single submitter. Criteria: ACMG Guidelines, 2015. Collection method: clinical testing. Allele origin: unknown.

Ambry Genetics
Classification: Uncertain significance for Hereditary cancer-predisposing syndrome. Last evaluated: 2023-02-14. Review status: criteria provided, single submitter. Criteria: Ambry Variant Classification Scheme 2023. Collection method: clinical testing. Allele origin: germline.
Comment: The p.R169H variant (also known as c.506G>A), located in coding exon 5 of the NBN gene, results from a G to A substitution at nucleotide position 506. The arginine at codon 169 is replaced by histidine, an amino acid with highly similar properties. Additionally, this alteration was observed in with an allele frequency of 0.00014 in 7,051 unselected female breast cancer patients and was observed with an allele frequency of 0 in 11,241 female controls of Japanese ancestry (Momozawa Y et al. Nat Commun, 2018 10;9:4083), and with a carrier frequency of 0.00013 in 7,636 unselected prostate cancer patients and not detected in 12,366 male controls of Japanese ancestry (Momozawa Y et al. J Natl Cancer Inst, 2020 Apr;112:369-376). This variant was identified in a cohort of 3,579 African males diagnosed with prostate cancer who underwent multi-gene panel testing of 19 DNA repair and cancer predisposition genes (Matejcic M et al. JCO Precis Oncol, 2020 Jan;4:32-43). This alteration was also detected in 2/5589 German BRCA1/2-negative probands with breast cancer (Hauke J et al. Cancer Med, 2018 04;7:1349-1358) and was reported in 7/60,466 breast cancer cases and in 5/53,461 controls (Dorling et al. N Engl J Med. 2021 02;384:428-439). This amino acid position is not well conserved in available vertebrate species. In addition, the in silico prediction for this alteration is inconclusive. Since supporting evidence is limited at this time, the clinical significance of this alteration remains unclear.

Genome-Nilou Lab
Classification: Uncertain significance for Microcephaly, normal intelligence and immunodeficiency. Last evaluated: 2021-11-07. Review status: criteria provided, single submitter. Criteria: ACMG Guidelines, 2015. Collection method: clinical testing. Allele origin: germline. Affected: no.

Sema4
Classification: Uncertain significance for Hereditary cancer-predisposing syndrome. Last evaluated: 2021-08-11. Review status: criteria provided, single submitter. Criteria: Sema4 Curation Guidelines. Collection method: curation. Allele origin: germline.
Comment: The NBN c.506G>A (p.R169H) variant has been reported in heterozygosity in individuals with breast cancer and in unaffected controls (PMID: 30287823, 33471991, 29522266). This variant has also been reported in an individual with Nijmegen Breakage-like syndrome; however, this individual also carried potentially disease causing variants in the RAD50 gene (PMID: 19409520). This variant was observed in 2/30612 chromosomes in the South Asian population according to the Genome Aggregation Database (PMID: 32461654). This variant has been reported in ClinVar (Variation ID: 186682). Functional studies have not been performed, and in silico predictions of the variant's effect on protein function are inconclusive. The evidence is insufficient to meet ACMG/AMP criteria for classifying the variant as benign or pathogenic. Thus, the clinical significance of this variant is currently uncertain.

Women's Health and Genetics/Laboratory Corporation of America, LabCorp
Classification: Uncertain significance. Last evaluated: 2021-06-21. Review status: criteria provided, single submitter. Criteria: LabCorp Variant Classification Summary - May 2015. Collection method: clinical testing. Allele origin: germline.
Comment: Variant summary: NBN c.506G>A (p.Arg169His) results in a non-conservative amino acid change in the encoded protein sequence. Three of five in-silico tools predict a damaging effect of the variant on protein function. The variant allele was found at a frequency of 3.6e-05 in 251268 control chromosomes. The available data on variant occurrences in the general population are insufficient to allow any conclusion about variant significance. c.506G>A has been reported in the literature in an individual with clinical features suggestive of Nijmegen Breakage Syndrome; however, clinical presentation in the patient was likely due to presence of bi-allelic mutations in the RAD50 gene (c.3277C>T/c.3939A>T, p.R1093X/p.X1313YextX*66; Waltes_2009). These report(s) do not provide unequivocal conclusions about association of the variant with Nijmegen Breakage Syndrome. To our knowledge, no experimental evidence demonstrating an impact on protein function has been reported. Five clinical diagnostic laboratories have submitted clinical-significance assessments for this variant to ClinVar after 2014 without evidence for independent evaluation. All laboratories classified the variant as uncertain significance. Some submitters cite overlapping evidence utilized in the context of this evaluation. Based on the evidence outlined above, the variant was classified as uncertain significance.

Natera, Inc.
Classification: Uncertain significance for Nijmegen breakage syndrome. Last evaluated: 2020-09-16. Review status: no assertion criteria provided. Collection method: clinical testing. Allele origin: germline. Not counted in ClinVar's aggregate classification.

Literature cited by the submitters: PubMed 19409520 (cited by 4 submitters); PubMed 29522266 (cited by 4 submitters); PubMed 30287823 (cited by 5 submitters); PubMed 36497135 (cited by Quest Diagnostics Nichols Institute San Juan Capistrano); PubMed 35884425 (cited by Quest Diagnostics Nichols Institute San Juan Capistrano); PubMed 32501622 (cited by Quest Diagnostics Nichols Institute San Juan Capistrano); PubMed 27149842 (cited by Quest Diagnostics Nichols Institute San Juan Capistrano and Women's Health and Genetics/Laboratory Corporation of America, LabCorp); PubMed 32212377 (cited by Quest Diagnostics Nichols Institute San Juan Capistrano); PubMed 33471991 (cited by 3 submitters); PubMed 31214711 (cited by Ambry Genetics); PubMed 32832836 (cited by Ambry Genetics).